The following is an entry in ClinVar:

ClinVar aggregate classification (germline): Uncertain significance (1 of 4 stars; one submission).

Conditions:
Perlman syndrome (PRLMNS). Identifiers: Orphanet 2849, MedGen C0796113, MONDO:0009965, OMIM 267000.

Submission:

Labcorp Genetics (formerly Invitae), Labcorp
Classification: Uncertain significance for Perlman syndrome. Last evaluated: 2022-03-27. Review status: criteria provided, single submitter. Criteria: Invitae Variant Classification Sherloc (09022015). Collection method: clinical testing. Allele origin: germline.
Comment: Algorithms developed to predict the effect of missense changes on protein structure and function are either unavailable or do not agree on the potential impact of this missense change (SIFT: "Tolerated"; PolyPhen-2: "Possibly Damaging"; Align-GVGD: "Class C0"). This sequence change replaces tyrosine, which is neutral and polar, with histidine, which is basic and polar, at codon 853 of the DIS3L2 protein (p.Tyr853His). This variant is not present in population databases (gnomAD no frequency). This variant has not been reported in the literature in individuals affected with DIS3L2-related conditions. In summary, the available evidence is currently insufficient to determine the role of this variant in disease. Therefore, it has been classified as a Variant of Uncertain Significance.

NM_152383.5(DIS3L2):c.2557T>C (p.Tyr853His)

Gene: DIS3L2 (DIS3 like 3'-5' exoribonuclease 2; plus strand). Cytogenetic location: 2q37.1.
Variant type: single nucleotide variant.
Coding change: c.2557T>C on transcript NM_152383.5 (MANE Select); coding-DNA position 2557, T replaced by C.
Protein change: p.Tyr853His; replaces tyrosine 853 with histidine.
Molecular consequence: missense variant. On other transcripts: non-coding transcript variant (2), intron variant (1).
Genome position (GRCh38, 1-based): chr2:232,336,529, T>C. VCF-style: chr2-232336529-T-C. GRCh37 (hg19) VCF-style: chr2-233201239-T-C.
Other names: c.1582-6816T>C (NM_001257281.2); short protein forms Y853H.
Identifiers: ClinVar variation 2118281 (VCV002118281.4), dbSNP rs2469455524, ClinGen allele CA350978958.